The following is an entry in ClinVar:

NM_001378183.1(PIEZO2):c.6343C>A (p.His2115Asn)

Gene: PIEZO2 (piezo type mechanosensitive ion channel component 2; minus strand). Cytogenetic location: 18p11.22.
Variant type: single nucleotide variant.
Coding change: c.6343C>A on transcript NM_001378183.1 (MANE Select); coding-DNA position 6343, C replaced by A.
Protein change: p.His2115Asn; replaces histidine 2115 with asparagine.
Molecular consequence: missense variant.
Genome position (GRCh38, 1-based): chr18:10,702,087, G>T on the plus strand (C>A on the coding strand, the complement: PIEZO2 is on the minus strand). VCF-style: chr18-10702087-G-T. GRCh37 (hg19) VCF-style: chr18-10702085-G-T.
Other names: c.6079C>A, p.His2027Asn (NM_001410871.1); c.6004C>A, p.His2002Asn (NM_022068.4); short protein forms H2002N, H2027N, H2115N.
Identifiers: ClinVar variation 3769762 (VCV003769762.2).

ClinVar aggregate classification (germline): Uncertain significance (1 of 4 stars; one submission).

gnomAD v4.1: 2 of 1,537,006 alleles (0.00013%); highest among the groups gnomAD compares: Non-Finnish European, 0.00017%; no homozygotes.

Submission:

GeneDx
Classification: Uncertain significance. Last evaluated: 2025-10-17. Review status: criteria provided, single submitter. Criteria: GeneDx Variant Classification Process June 2021. Collection method: clinical testing. Allele origin: germline.
Comment: Not observed at significant frequency in large population cohorts (gnomAD); In silico analysis supports that this missense variant has a deleterious effect on protein structure/function; Has not been previously published as pathogenic or benign to our knowledge